The following is an entry in ClinVar:

NM_001103.4(ACTN2):c.401T>C (p.Ile134Thr)

Gene: ACTN2 (actinin alpha 2; plus strand). Cytogenetic location: 1q43.
Variant type: single nucleotide variant.
Coding change: c.401T>C on transcript NM_001103.4 (MANE Select); coding-DNA position 401, T replaced by C.
Protein change: p.Ile134Thr; replaces isoleucine 134 with threonine.
Molecular consequence: missense variant. On other transcripts: 5 prime UTR variant (1).
Genome position (GRCh38, 1-based): chr1:236,720,144, T>C. VCF-style: chr1-236720144-T-C. GRCh37 (hg19) VCF-style: chr1-236883444-T-C.
Other names: p.Ile134Thr; c.401T>C, p.Ile134Thr (NM_001278343.2); c.-421T>C (NM_001278344.2); short protein forms I134T.
Identifiers: ClinVar variation 216495 (VCV000216495.16), dbSNP rs770368711, ClinGen allele CA336235.

ClinVar aggregate classification (germline): Conflicting classifications of pathogenicity. Review status: criteria provided, conflicting classifications (1 of 4 stars). 5 submissions from 5 submitters: Uncertain significance (4); Likely benign (1). Last evaluated 2025-11-12.

Conditions:
Cardiovascular phenotype. Identifiers: MedGen CN230736.
Dilated cardiomyopathy 1AA (CMD1AA). Also called: CARDIOMYOPATHY, DILATED, 1AA, WITH OR WITHOUT LEFT VENTRICULAR NONCOMPACTION; CARDIOMYOPATHY, FAMILIAL HYPERTROPHIC, 23, WITH OR WITHOUT LEFT VENTRICULAR NONCOMPACTION; Cardiomyopathy, dilated, 1AA, with or without LVNC. Identifiers: Orphanet 154, MedGen C2677338, MONDO:0012808, OMIM 612158.
Primary familial hypertrophic cardiomyopathy (HCM). Identifiers: Orphanet 99739, MedGen C0949658, MeSH D024741, MONDO:0024573. Inheritance: Various modes of inheritance.

Allele frequency attached by ClinVar (database versions not stated): gnomAD exomes below 0.00001 and 0.00001; ExAC 0.00001; gnomAD 0.00003; TOPMed 0.00003.
gnomAD v4.1: 7 of 1,613,806 alleles (0.00043%); highest among the groups gnomAD compares: African/African-American, 0.008%; no homozygotes.

Submissions (5):

Ambry Genetics
Classification: Uncertain significance for Cardiovascular phenotype. Last evaluated: 2025-11-12. Review status: criteria provided, single submitter. Criteria: Ambry Variant Classification Scheme 2023. Collection method: clinical testing. Allele origin: germline.

Labcorp Genetics (formerly Invitae), Labcorp
Classification: Likely benign for Primary familial hypertrophic cardiomyopathy; Dilated cardiomyopathy 1AA. Last evaluated: 2025-11-05. Review status: criteria provided, single submitter. Criteria: Invitae Variant Classification Sherloc (09022015). Collection method: clinical testing. Allele origin: germline.

Mayo Clinic Laboratories, Mayo Clinic
Classification: Uncertain significance. Last evaluated: 2022-09-21. Review status: criteria provided, single submitter. Criteria: ACMG Guidelines, 2015. Collection method: clinical testing. Allele origin: germline. Observed: 1 variant allele.
Comment: PP3

Women's Health and Genetics/Laboratory Corporation of America, LabCorp
Classification: Uncertain significance. Last evaluated: 2022-04-09. Review status: criteria provided, single submitter. Criteria: LabCorp Variant Classification Summary - May 2015. Collection method: clinical testing. Allele origin: germline.

GeneDx
Classification: Uncertain significance. Last evaluated: 2019-10-07. Review status: criteria provided, single submitter. Criteria: GeneDx Variant Classification Process June 2021. Collection method: clinical testing. Allele origin: germline. Affected: yes.
Comment: Has not been previously published as pathogenic or benign to our knowledge; In silico analysis, which includes protein predictors and evolutionary conservation, supports a deleterious effect; Reported in ClinVar but additional evidence is not available (ClinVar Variant ID# 216495; Landrum et al., 2016); Not observed at a significant frequency in large population cohorts (Lek et al., 2016)